The following is an entry in ClinVar:

NM_000260.4(MYO7A):c.4065del (p.His1355fs)

Gene: MYO7A (myosin VIIA; plus strand). Cytogenetic location: 11q13.5.
Variant type: Deletion.
Coding change: c.4065del on transcript NM_000260.4 (MANE Select); coding-DNA position 4065, one base deleted (C; older notation c.4065delC).
Protein change: p.His1355fs; shifts the reading frame from histidine 1355.
Molecular consequence: frameshift variant.
Genome position (GRCh38, 1-based): chr11:77,192,191, C deleted. VCF-style (leftmost placement, unchanged base first): chr11-77192190-AC-A. GRCh37 (hg19) VCF-style: chr11-76903235-AC-A.
Other names: c.4065del, p.His1355fs (NM_001127180.2); c.4032del, p.His1344fs (NM_001369365.1); short protein forms H1344fs, H1355fs.
Identifiers: ClinVar variation 43232 (VCV000043232.9), dbSNP rs111033202, ClinGen allele CA278664.

ClinVar aggregate classification (germline): Pathogenic/Likely pathogenic. Review status: criteria provided, multiple submitters, no conflicts (2 of 4 stars). 3 submissions from 3 submitters: Pathogenic (2); Likely pathogenic (1). Last evaluated 2025-08-11.

Conditions:
Rare genetic deafness. Identifiers: Orphanet 96210, MedGen C5680250.
Usher syndrome type 1 (USH1). Also called: RETINITIS PIGMENTOSA AND CONGENITAL DEAFNESS. Identifiers: Orphanet 231169, Orphanet 886, MedGen C1568247, MONDO:0010168, OMIM 276900.

Allele frequency attached by ClinVar (database versions not stated): gnomAD exomes below 0.00001; TOPMed below 0.00001; gnomAD 0.00001.

Submissions (3):

Myriad Genetics, Inc.
Classification: Pathogenic for Usher syndrome type 1. Last evaluated: 2025-08-11. Review status: criteria provided, single submitter. Criteria: Myriad Autosomal Dominant, Autosomal Recessive and X-Linked Classification Criteria (2023). Collection method: clinical testing. Allele origin: unknown.
Comment: NM_000260.3(MYO7A):c.4065delC(H1355Qfs*44) is a frameshift variant classified as pathogenic in the context of MYO7A-related disorders. H1355Qfs*44 has been observed in a case with relevant disease (PMID: 29142287). Relevant functional assessments of this variant are not available in the literature. H1355Qfs*44 has not been observed in referenced population frequency databases. In summary, NM_000260.3(MYO7A):c.4065delC(H1355Qfs*44) is a frameshift variant in a gene where loss of function is a known mechanism of disease, is predicted to disrupt protein function, and has been observed more frequently in cases with the relevant disease than in healthy populations. Please note: this variant was assessed in the context of healthy population screening.

Labcorp Genetics (formerly Invitae), Labcorp
Classification: Pathogenic. Last evaluated: 2023-09-04. Review status: criteria provided, single submitter. Criteria: Invitae Variant Classification Sherloc (09022015). Collection method: clinical testing. Allele origin: germline.
Comment: This sequence change creates a premature translational stop signal (p.His1355Glnfs*44) in the MYO7A gene. It is expected to result in an absent or disrupted protein product. Loss-of-function variants in MYO7A are known to be pathogenic (PMID: 8900236, 25404053). This variant is not present in population databases (gnomAD no frequency). This premature translational stop signal has been observed in individual(s) with autosomal recessive Usher syndrome (PMID: 21873662, 29142287). ClinVar contains an entry for this variant (Variation ID: 43232). For these reasons, this variant has been classified as Pathogenic.

Laboratory for Molecular Medicine, Mass General Brigham Personalized Medicine
Classification: Likely pathogenic for Rare genetic deafness. Last evaluated: 2008-03-01. Review status: criteria provided, single submitter. Criteria: LMM Criteria. Collection method: clinical testing. Allele origin: germline. Observed: 1 variant allele.

Literature cited by the submitters: PubMed 29142287 (cited by Myriad Genetics, Inc. and Labcorp Genetics (formerly Invitae), Labcorp); PubMed 8900236 (cited by Labcorp Genetics (formerly Invitae), Labcorp); PubMed 25404053 (cited by Labcorp Genetics (formerly Invitae), Labcorp); PubMed 21873662 (cited by Labcorp Genetics (formerly Invitae), Labcorp).